The following is an entry in ClinVar:

ClinVar aggregate classification (germline): Uncertain significance (1 of 4 stars; one submission).

Conditions:
Hereditary cancer-predisposing syndrome. Also called: Neoplastic Syndromes, Hereditary; Tumor predisposition; Hereditary neoplastic syndrome; Hereditary Cancer Syndrome. Identifiers: Orphanet 140162, MedGen C0027672, MeSH D009386, MONDO:0015356.

gnomAD v4.1: 1 of 1,585,468 alleles (0.000063%); highest among the groups gnomAD compares: South Asian, 0.0011%; no homozygotes.

Submission:

Ambry Genetics
Classification: Uncertain significance for Hereditary cancer-predisposing syndrome. Last evaluated: 2026-06-16. Review status: criteria provided, single submitter. Criteria: Ambry Variant Classification Scheme 2023. Collection method: clinical testing. Allele origin: germline.
Comment: The p.D60V variant (also known as c.179A>T), located in coding exon 3 of the PMS2 gene, results from an A to T substitution at nucleotide position 179. The aspartic acid at codon 60 is replaced by valine, an amino acid with highly dissimilar properties. This amino acid position is conserved. In addition, this alteration is predicted to be deleterious by in silico analysis. Based on the available evidence, the clinical significance of this variant remains unclear.

NM_000535.7(PMS2):c.179A>T (p.Asp60Val)

Gene: PMS2 (PMS1 homolog 2, mismatch repair system component; minus strand). Cytogenetic location: 7p22.1.
Variant type: single nucleotide variant.
Coding change: c.179A>T on transcript NM_000535.7 (MANE Select); coding-DNA position 179, A replaced by T.
Protein change: p.Asp60Val; replaces aspartic acid 60 with valine.
Molecular consequence: missense variant. On other transcripts: 5 prime UTR variant (44), non-coding transcript variant (1), intron variant (1).
Genome position (GRCh38, 1-based): chr7:6,004,043, T>A on the plus strand (A>T on the coding strand, the complement: PMS2 is on the minus strand). VCF-style: chr7-6004043-T-A. GRCh37 (hg19) VCF-style: chr7-6043674-T-A.
Other names: c.-306A>T (NM_001406882.1, NM_001406875.1, NM_001406877.1 and 3 more transcripts); c.-37A>T (NM_001406883.1, NM_001406901.1, NM_001406902.1 and 4 more transcripts); c.179A>T, p.Asp60Val (NM_001406884.1, NM_001406885.1, NM_001406886.1 and 10 more transcripts); c.-227A>T (NM_001406887.1, NM_001406891.1, NM_001406893.1 and 13 more transcripts); c.-174A>T (NM_001406888.1, NM_001406889.1, NM_001406892.1 and 6 more transcripts); c.-217A>T (NM_001406890.1); c.-203A>T (NM_001406900.1, NM_001406881.1); c.-52-1407A>T (NM_001406896.1); and 3 more; short protein forms D122V, D60V.
Identifiers: ClinVar variation 5026897 (VCV005026897.1).